The following is an entry in ClinVar:

ClinVar aggregate classification (germline): Likely benign. Review status: criteria provided, multiple submitters, no conflicts (2 of 4 stars). 3 submissions from 3 submitters: Likely benign (3). Last evaluated 2024-07-25.

Conditions:
Cardiomyopathy (CMYO). Also called: Cardiomyopathies. Identifiers: Orphanet 167848, MedGen C0878544, MONDO:0004994, HP:0001638. Inheritance: Various modes of inheritance.
Catecholaminergic polymorphic ventricular tachycardia (CVPT). Also called: Catecholamine-induced polymorphic ventricular tachycardia. Identifiers: Orphanet 3286, MedGen C5574922, MONDO:0017990.
Cardiovascular phenotype. Identifiers: MedGen CN230736.

Submissions (3):

Ambry Genetics
Classification: Likely benign for Cardiovascular phenotype. Last evaluated: 2024-07-25. Review status: criteria provided, single submitter. Criteria: Ambry Variant Classification Scheme 2023. Collection method: clinical testing. Allele origin: germline.

All of Us Research Program, National Institutes of Health
Classification: Likely benign for Catecholaminergic polymorphic ventricular tachycardia. Last evaluated: 2024-05-14. Review status: criteria provided, single submitter. Criteria: ACMG Guidelines, 2015. Collection method: clinical testing. Allele origin: germline. Inheritance: Autosomal dominant inheritance. Observed: 1 variant allele, 1 heterozygote.
Comment: This study involves interpretation of variants in research participants for the purpose of population health screening. Participant phenotype was not available at the time of variant classification. Additional details can be found in publication PMID: 35346344, PMCID: PMC8962531

Color Diagnostics, LLC DBA Color Health
Classification: Likely benign for Cardiomyopathy. Last evaluated: 2023-07-26. Review status: criteria provided, single submitter. Criteria: ACMG Guidelines, 2015. Collection method: clinical testing. Allele origin: germline.

NM_001035.3(RYR2):c.1095T>C (p.His365=)

Gene: RYR2 (ryanodine receptor 2; plus strand). Cytogenetic location: 1q43.
Variant type: single nucleotide variant.
Coding change: c.1095T>C on transcript NM_001035.3 (MANE Select); coding-DNA position 1095, T replaced by C.
Protein change: p.His365=; no amino-acid change (histidine 365 retained).
Molecular consequence: synonymous variant.
Genome position (GRCh38, 1-based): chr1:237,441,408, T>C. VCF-style: chr1-237441408-T-C. GRCh37 (hg19) VCF-style: chr1-237604708-T-C.
Other names: c.1095T>C (NM_001035.2).
Identifiers: ClinVar variation 3385665 (VCV003385665.3).
Genomic context (GRCh38, chr1:237,441,408, plus strand): 5'-AGTAGATGGCATGGGAACATCTGAAATAAAATACGGTGACTCAGTATGCTATATACAACA[T>C]GTAGACACAGGCCTATGGCTTACTTACCAGTCTGTGGACGTGAAATCCGTGAGAATGGGA-3'
Protein context (NP_001026.2, residues 355-375): KYGDSVCYIQ[His365=]VDTGLWLTYQ